The following is an entry in ClinVar:

ClinVar aggregate classification (germline): Uncertain significance (1 of 4 stars; one submission).

Conditions:
DICER1-related tumor predisposition. Also called: DICER1 syndrome; DICER1-related pleuropulmonary blastoma cancer predisposition syndrome. Identifiers: Orphanet 284343, MedGen C3839822, MONDO:0100216.

Submission:

Labcorp Genetics (formerly Invitae), Labcorp
Classification: Uncertain significance for DICER1-related tumor predisposition. Last evaluated: 2019-12-27. Review status: criteria provided, single submitter. Criteria: Invitae Variant Classification Sherloc (09022015). Collection method: clinical testing. Allele origin: germline.
Comment: This variant is not present in population databases (ExAC no frequency). In summary, the available evidence is currently insufficient to determine the role of this variant in disease. Therefore, it has been classified as a Variant of Uncertain Significance. Algorithms developed to predict the effect of missense changes on protein structure and function are either unavailable or do not agree on the potential impact of this missense change (SIFT: "Tolerated"; PolyPhen-2: "Possibly Damaging"; Align-GVGD: "Class C0"). This variant has not been reported in the literature in individuals with DICER1-related conditions. This sequence change replaces serine with proline at codon 102 of the DICER1 protein (p.Ser102Pro). The serine residue is moderately conserved and there is a moderate physicochemical difference between serine and proline.

NM_177438.3(DICER1):c.304T>C (p.Ser102Pro)

Gene: DICER1 (dicer 1, ribonuclease III; minus strand). Cytogenetic location: 14q32.13.
Variant type: single nucleotide variant.
Coding change: c.304T>C on transcript NM_177438.3 (MANE Select); coding-DNA position 304, T replaced by C.
Protein change: p.Ser102Pro; replaces serine 102 with proline.
Molecular consequence: missense variant.
Genome position (GRCh38, 1-based): chr14:95,132,518, A>G on the plus strand (T>C on the coding strand, the complement: DICER1 is on the minus strand). VCF-style: chr14-95132518-A-G. GRCh37 (hg19) VCF-style: chr14-95598855-A-G.
Other names: c.304T>C, p.Ser102Pro (NM_001195573.1, NM_001271282.3, NM_001291628.2 and 1 more transcripts); short protein forms S102P.
Identifiers: ClinVar variation 841939 (VCV000841939.11), dbSNP rs1894034529, ClinGen allele CA390889603.